The following is an entry in ClinVar:

NM_001876.4(CPT1A):c.1767C>G (p.Tyr589Ter)

Gene: CPT1A (carnitine palmitoyltransferase 1A; minus strand). Cytogenetic location: 11q13.3.
Variant type: single nucleotide variant.
Coding change: c.1767C>G on transcript NM_001876.4 (MANE Select); coding-DNA position 1767, C replaced by G.
Protein change: p.Tyr589Ter; replaces tyrosine 589 with a stop codon.
Molecular consequence: nonsense.
Genome position (GRCh38, 1-based): chr11:68,762,735, G>C on the plus strand (C>G on the coding strand, the complement: CPT1A is on the minus strand). VCF-style: chr11-68762735-G-C. GRCh37 (hg19) VCF-style: chr11-68530203-G-C.
Other names: c.1767C>G, p.Tyr589Ter (NM_001031847.3); short protein forms Y589*.
Identifiers: ClinVar variation 2019097 (VCV002019097.4), dbSNP rs762044597, ClinGen allele CA381627742.
Genomic context (GRCh38, chr11:68,762,735, plus strand): 5'-GGTGCAGGAGCGCACGGTCTCCGTCCTCCCCTCTCGGAAGAGCCGGGTCATGGAGGCCTC[G>C]TATGTGAGGCAAAACTTGCCCATGTCCTGGGGAAAGAGAAGTACTTCAGTGCACGGCAGG-3'

ClinVar aggregate classification (germline): Pathogenic (1 of 4 stars; one submission).

Conditions:
Carnitine palmitoyl transferase 1A deficiency. Also called: Carnitine palmitoyltransferase type I deficiency; CPT deficiency, hepatic, type IA; CPT I DEFICIENCY; CPT DEFICIENCY, HEPATIC, TYPE I; Carnitine palmitoyltransferase 1A deficiency. Identifiers: Orphanet 156, MedGen C1829703, MONDO:0009705, OMIM 255120.

Submission:

Labcorp Genetics (formerly Invitae), Labcorp
Classification: Pathogenic for Carnitine palmitoyl transferase 1A deficiency. Last evaluated: 2022-07-23. Review status: criteria provided, single submitter. Criteria: Invitae Variant Classification Sherloc (09022015). Collection method: clinical testing. Allele origin: germline.
Comment: This variant has not been reported in the literature in individuals affected with CPT1A-related conditions. This variant is not present in population databases (gnomAD no frequency). This sequence change creates a premature translational stop signal (p.Tyr589*) in the CPT1A gene. It is expected to result in an absent or disrupted protein product. Loss-of-function variants in CPT1A are known to be pathogenic (PMID: 16169268). For these reasons, this variant has been classified as Pathogenic.

Literature cited by the submitters: PubMed 16169268.